The following is an entry in ClinVar:

NM_002485.5(NBN):c.266_270dup (p.Leu91fs)

Gene: NBN (nibrin; minus strand). Cytogenetic location: 8q21.3.
Variant type: Duplication.
Coding change: c.266_270dup on transcript NM_002485.5 (MANE Select); coding-DNA positions 266 to 270, 5 bases duplicated (GAACT; older notation c.266_270dupGAACT).
Protein change: p.Leu91fs; shifts the reading frame from leucine 91.
Molecular consequence: frameshift variant.
Genome position (GRCh38, 1-based): chr8:89,981,425-89,981,429, AGTTC duplicated on the plus strand (GAACT on the coding strand, the reverse complement: NBN is on the minus strand). VCF-style (leftmost placement, unchanged base first): chr8-89981424-A-AAGTTC. GRCh37 (hg19) VCF-style: chr8-90993652-A-AAGTTC.
Other names: c.20_24dup, p.Leu9fs (NM_001024688.3); short protein forms L9fs, L91fs.
Identifiers: ClinVar variation 4746982 (VCV004746982.1), dbSNP rs1563580865.
Genomic context (GRCh38, chr8:89,981,424, plus strand): 5'-AAATGTCTTACCTGAATTTACTTCCAAACACTCCAAAAGTAATACCATCCCCCGACTTCA[A>AAGTTC]AGTTCGGGAAAAGCCATTCTGCATTTTTTCCTCATTAACAAAGGTACCATACTTAGAATT-3'

ClinVar aggregate classification (germline): Pathogenic (1 of 4 stars; one submission).

Conditions:
Microcephaly, normal intelligence and immunodeficiency (NBS). Also called: Nijmegen breakage syndrome; Microcephaly with normal intelligence immunodeficiency and lymphoreticular malignancies; Nonsyndromal microcephaly autosomal recessive with normal intelligence; Seemanova syndrome 2; BERLIN BREAKAGE SYNDROME; Immunodeficiency, microcephaly with normal intelligence. Identifiers: Orphanet 647, MedGen C0398791, MONDO:0009623, OMIM 251260.

Submission:

Labcorp Genetics (formerly Invitae), Labcorp
Classification: Pathogenic for Microcephaly, normal intelligence and immunodeficiency. Last evaluated: 2025-07-23. Review status: criteria provided, single submitter. Criteria: Invitae Variant Classification Sherloc (09022015). Collection method: clinical testing. Allele origin: germline.
Comment: This sequence change creates a premature translational stop signal (p.Leu91Glufs*3) in the NBN gene. It is expected to result in an absent or disrupted protein product. Loss-of-function variants in NBN are known to be pathogenic (PMID: 9590180, 16415040). This variant is not present in population databases (gnomAD no frequency). This variant has not been reported in the literature in individuals affected with NBN-related conditions. For these reasons, this variant has been classified as Pathogenic.

Literature cited by the submitters: PubMed 9590180; PubMed 16415040.